The following is an entry in ClinVar:

NM_015330.6(SPECC1L):c.1495G>A (p.Ala499Thr)

Genes: SPECC1L (sperm antigen with calponin homology and coiled-coil domains 1 like; plus strand), SPECC1L-ADORA2A (SPECC1L-ADORA2A readthrough (NMD candidate); plus strand). Cytogenetic location: 22q11.23.
Variant type: single nucleotide variant.
Coding change: c.1495G>A on transcript NM_015330.6 (MANE Select); coding-DNA position 1495, G replaced by A.
Protein change: p.Ala499Thr; replaces alanine 499 with threonine.
Molecular consequence: missense variant. On other transcripts: non-coding transcript variant (1).
Genome position (GRCh38, 1-based): chr22:24,322,475, G>A. VCF-style: chr22-24322475-G-A. GRCh37 (hg19) VCF-style: chr22-24718443-G-A.
Other names: c.1495G>A, p.Ala499Thr (NM_001145468.4, NM_001254732.3); short protein forms A499T.
Identifiers: ClinVar variation 4996475 (VCV004996475.1).
Genomic context (GRCh38, chr22:24,322,475, plus strand): 5'-ATAGATGAAGATGTAAAAAGTGGGCGCTATATGGAATTAGAGCAACGTTACATGGACCTC[G>A]CTGAGAATGCCCGTTTTGAACGGGAGCAGCTTCTTGGTGTCCAGCAGCATTTAAGCAATA-3'
Protein context (NP_056145.5, residues 489-509): MELEQRYMDL[Ala499Thr]ENARFEREQL

ClinVar aggregate classification (germline): Uncertain significance (1 of 4 stars; one submission).

Conditions:
SPECC1L-related disorder. Also called: SPECC1L-related condition.

gnomAD v4.1: 11 of 1,614,012 alleles (0.00068%); highest among the groups gnomAD compares: Middle Eastern, 0.016%; no homozygotes.

Submission:

PreventionGenetics, part of Exact Sciences
Classification: Uncertain significance for SPECC1L-related condition. Last evaluated: 2026-07-13. Review status: criteria provided, single submitter. Criteria: ACMG Guidelines, 2015. Collection method: clinical testing. Allele origin: germline.
Comment: The SPECC1L c.1495G>A variant is predicted to result in the amino acid substitution p.Ala499Thr. To our knowledge, this variant has not been reported in the literature. This variant is reported in 0.0062% of alleles in individuals of African descent in gnomAD. At this time, the clinical significance of this variant is uncertain due to the absence of conclusive functional and genetic evidence.